The following is an entry in ClinVar:

NM_020376.4(PNPLA2):c.1110G>A (p.Thr370=)

Gene: PNPLA2 (patatin like domain 2, triacylglycerol lipase; plus strand). Cytogenetic location: 11p15.5.
Variant type: single nucleotide variant.
Coding change: c.1110G>A on transcript NM_020376.4 (MANE Select); coding-DNA position 1110, G replaced by A.
Protein change: p.Thr370=; no amino-acid change (threonine 370 retained).
Molecular consequence: synonymous variant.
Genome position (GRCh38, 1-based): chr11:824,371, G>A. VCF-style: chr11-824371-G-A. GRCh37 (hg19) VCF-style: chr11-824371-G-A.
Identifiers: ClinVar variation 5041038 (VCV005041038.1).
Genomic context (GRCh38, chr11:824,371, plus strand): 5'-CAGCTTGCTGGAGTGGCTGCCCGACGTTCCCGAGGACATCCGGTGGATGAAGGAGCAGAC[G>A]GGCAGCATCTGCCAGTACCTGGTGATGCGCGCCAAGAGGAAGCTGGGCAGGCACCTGCCC-3'
Protein context (NP_065109.1, residues 360-380): PEDIRWMKEQ[Thr370=]GSICQYLVMR

ClinVar aggregate classification (germline): Likely benign (1 of 4 stars; one submission).

gnomAD v4.1: 4 of 1,551,468 alleles (0.00026%); highest among the groups gnomAD compares: East Asian, 0.0024%; no homozygotes.

Submission:

CeGaT Center for Human Genetics Tuebingen
Classification: Likely benign. Last evaluated: 2026-09-01. Review status: criteria provided, single submitter. Criteria: CeGaT Center For Human Genetics Tuebingen Variant Classification Criteria Version 2. Collection method: clinical testing. Allele origin: germline. Affected: yes. Observed: 1 variant allele.
Comment: PNPLA2: BP4, BP7